The following is an entry in ClinVar:

NM_006767.4(LZTR1):c.2111G>A (p.Gly704Glu)

Gene: LZTR1 (leucine zipper like post translational regulator 1; plus strand). Cytogenetic location: 22q11.21.
Variant type: single nucleotide variant.
Coding change: c.2111G>A on transcript NM_006767.4 (MANE Select); coding-DNA position 2111, G replaced by A.
Protein change: p.Gly704Glu; replaces glycine 704 with glutamic acid.
Molecular consequence: missense variant.
Genome position (GRCh38, 1-based): chr22:20,996,004, G>A. VCF-style: chr22-20996004-G-A. GRCh37 (hg19) VCF-style: chr22-21350293-G-A.
Other names: short protein forms G704E.
Identifiers: ClinVar variation 1423420 (VCV001423420.8), dbSNP rs747682745, ClinGen allele CA10119249.

ClinVar aggregate classification (germline): Uncertain significance (1 of 4 stars; one submission).

Allele frequency attached by ClinVar (database versions not stated): gnomAD exomes below 0.00001; ExAC 0.00001.
gnomAD v4.1: 1 of 1,613,706 alleles (0.000062%); highest among the groups gnomAD compares: Non-Finnish European, 0.000085%; no homozygotes.

Submission:

Labcorp Genetics (formerly Invitae), Labcorp
Classification: Uncertain significance. Last evaluated: 2022-03-19. Review status: criteria provided, single submitter. Criteria: Invitae Variant Classification Sherloc (09022015). Collection method: clinical testing. Allele origin: germline.
Comment: This variant is present in population databases (rs747682745, gnomAD 0.0009%). This variant has not been reported in the literature in individuals affected with LZTR1-related conditions. Algorithms developed to predict the effect of missense changes on protein structure and function are either unavailable or do not agree on the potential impact of this missense change (SIFT: "Deleterious"; PolyPhen-2: "Benign"; Align-GVGD: "Class C0"). In summary, the available evidence is currently insufficient to determine the role of this variant in disease. Therefore, it has been classified as a Variant of Uncertain Significance. This sequence change replaces glycine, which is neutral and non-polar, with glutamic acid, which is acidic and polar, at codon 704 of the LZTR1 protein (p.Gly704Glu).